The following is an entry in ClinVar:

ClinVar aggregate classification (germline): Uncertain significance. Review status: criteria provided, multiple submitters, no conflicts (2 of 4 stars). 2 submissions from 2 submitters: Uncertain significance (2). Last evaluated 2025-05-21.

Conditions:
Hereditary cancer-predisposing syndrome. Also called: Tumor predisposition; Neoplastic Syndromes, Hereditary; Hereditary neoplastic syndrome; Hereditary Cancer Syndrome. Identifiers: Orphanet 140162, MedGen C0027672, MeSH D009386, MONDO:0015356.

Allele frequency attached by ClinVar (database versions not stated): gnomAD exomes below 0.00001.
gnomAD v4.1: 2 of 1,611,928 alleles (0.00012%); highest among the groups gnomAD compares: Non-Finnish European, 0.00017%; no homozygotes.

Submissions (2):

Ambry Genetics
Classification: Uncertain significance for Hereditary cancer-predisposing syndrome. Last evaluated: 2025-05-21. Review status: criteria provided, single submitter. Criteria: Ambry Variant Classification Scheme 2023. Collection method: clinical testing. Allele origin: germline.
Comment: The p.E751K variant (also known as c.2251G>A), located in coding exon 15 of the MSH3 gene, results from a G to A substitution at nucleotide position 2251. The glutamic acid at codon 751 is replaced by lysine, an amino acid with similar properties. This amino acid position is highly conserved in available vertebrate species. In addition, the in silico prediction for this alteration is inconclusive. Based on the available evidence, the clinical significance of this variant remains unclear.

Labcorp Genetics (formerly Invitae), Labcorp
Classification: Uncertain significance. Last evaluated: 2025-01-15. Review status: criteria provided, single submitter. Criteria: Invitae Variant Classification Sherloc (09022015). Collection method: clinical testing. Allele origin: germline.
Comment: This sequence change replaces glutamic acid, which is acidic and polar, with lysine, which is basic and polar, at codon 751 of the MSH3 protein (p.Glu751Lys). This variant is not present in population databases (gnomAD no frequency). This variant has not been reported in the literature in individuals affected with MSH3-related conditions. ClinVar contains an entry for this variant (Variation ID: 1017883). An algorithm developed to predict the effect of missense changes on protein structure and function (PolyPhen-2) suggests that this variant is likely to be disruptive. In summary, the available evidence is currently insufficient to determine the role of this variant in disease. Therefore, it has been classified as a Variant of Uncertain Significance.

NM_002439.5(MSH3):c.2251G>A (p.Glu751Lys)

Gene: MSH3 (mutS homolog 3; plus strand). Cytogenetic location: 5q14.1.
Variant type: single nucleotide variant.
Coding change: c.2251G>A on transcript NM_002439.5 (MANE Select); coding-DNA position 2251, G replaced by A.
Protein change: p.Glu751Lys; replaces glutamic acid 751 with lysine.
Molecular consequence: missense variant.
Genome position (GRCh38, 1-based): chr5:80,769,001, G>A. VCF-style: chr5-80769001-G-A. GRCh37 (hg19) VCF-style: chr5-80064820-G-A.
Other names: short protein forms E751K.
Identifiers: ClinVar variation 1017883 (VCV001017883.12), dbSNP rs1744171962, ClinGen allele CA360279818.